The following is an entry in ClinVar:

NM_133497.4(KCNV2):c.153T>G (p.Tyr51Ter)

Gene: KCNV2 (potassium voltage-gated channel modifier subfamily V member 2; plus strand). Cytogenetic location: 9p24.2.
Variant type: single nucleotide variant.
Coding change: c.153T>G on transcript NM_133497.4 (MANE Select); coding-DNA position 153, T replaced by G.
Protein change: p.Tyr51Ter; replaces tyrosine 51 with a stop codon.
Molecular consequence: nonsense.
Genome position (GRCh38, 1-based): chr9:2,717,892, T>G. VCF-style: chr9-2717892-T-G. GRCh37 (hg19) VCF-style: chr9-2717892-T-G.
Other names: KCNV2; short protein forms Y51*.
Identifiers: ClinVar variation 1027360 (VCV001027360.5), dbSNP rs950492553, ClinGen allele CA372795811.

ClinVar aggregate classification (germline): Pathogenic/Likely pathogenic. Review status: criteria provided, multiple submitters, no conflicts (2 of 4 stars). 3 submissions from 3 submitters: Pathogenic (1); Likely pathogenic (2). Last evaluated 2025-09-04.

Conditions:
Cone dystrophy with supernormal rod response (CDSRR). Also called: CONE DYSTROPHY WITH SUPERNORMAL ROD RESPONSES. Identifiers: Orphanet 209932, MedGen C1835897, MONDO:0012475, OMIM 610356.
KCNV2-related disorder. Also called: KCNV2-related condition.

Submissions (3):

First Genomix Gene Laboratory, Genetic Diagnostics Department
Classification: Likely pathogenic for Cone dystrophy with supernormal rod response. Last evaluated: 2025-09-04. Review status: criteria provided, single submitter. Criteria: ACMG Guidelines, 2015. Collection method: clinical testing. Allele origin: germline. Inheritance: Autosomal recessive inheritance. Affected: no. Observed: 1 variant allele.

Institute of Human Genetics, University of Goettingen
Classification: Likely pathogenic for Cone dystrophy with supernormal rod response. Last evaluated: 2020-07-02. Review status: criteria provided, single submitter. Criteria: ACMG Guidelines, 2015. Collection method: clinical testing. Allele origin: germline. Inheritance: Autosomal recessive inheritance. Affected: yes. Observed: 1 variant allele, 1 homozygote.
Comment: This variant was found within clinical testing. It is absent from gnomAD and is predicted to be damaging. This variant is not described elsewhere, but it fits to the symptoms of the patient. In summary and using ACMG criteria PVS1, PM2 we classify this variant as Likely Pathogenic.

Blueprint Genetics
Classification: Pathogenic for KCNV2-related disorders. Last evaluated: 2019-12-27. Review status: criteria provided, single submitter. Criteria: ACMG Guidelines, 2015. Collection method: clinical testing. Allele origin: germline. Affected: yes. Observed: 2 variant alleles.